The following is an entry in ClinVar:

ClinVar aggregate classification (germline): Likely benign. Review status: criteria provided, multiple submitters, no conflicts (2 of 4 stars). 2 submissions from 2 submitters: Likely benign (2). Last evaluated 2024-04-25.

Conditions:
Malignant hyperthermia, susceptibility to, 1 (MHS1). Also called: Anesthesia related hyperthermia; Malignant hyperpyrexia; Fulminating hyperpyrexia; Pharmacogenic myopathy; RYR1-Related Malignant Hyperthermia Susceptibility; Malignant hyperthermia suceptibility 1. Identifiers: Orphanet 423, MedGen C2930980, MONDO:0007783, OMIM 145600.
RYR1-related disorder. Also called: RYR1-related condition; RYR1-related disorders. Identifiers: MedGen CN239331.

Submissions (2):

All of Us Research Program, National Institutes of Health
Classification: Likely benign for Malignant hyperthermia, susceptibility to, 1. Last evaluated: 2024-04-25. Review status: criteria provided, single submitter. Criteria: ACMG Guidelines, 2015. Collection method: clinical testing. Allele origin: germline. Inheritance: Autosomal dominant inheritance. Observed: 2 variant alleles, 2 heterozygotes.
Comment: This study involves interpretation of variants in research participants for the purpose of population health screening. Participant phenotype was not available at the time of variant classification. Additional details can be found in publication PMID: 35346344, PMCID: PMC8962531

Labcorp Genetics (formerly Invitae), Labcorp
Classification: Likely benign for RYR1-related disorder. Last evaluated: 2023-09-03. Review status: criteria provided, single submitter. Criteria: Invitae Variant Classification Sherloc (09022015). Collection method: clinical testing. Allele origin: germline.

NM_000540.3(RYR1):c.7969C>T (p.Leu2657=)

Gene: RYR1 (ryanodine receptor 1; plus strand). Cytogenetic location: 19q13.2.
Variant type: single nucleotide variant.
Coding change: c.7969C>T on transcript NM_000540.3 (MANE Select); coding-DNA position 7969, C replaced by T.
Protein change: p.Leu2657=; no amino-acid change (leucine 2657 retained).
Molecular consequence: synonymous variant.
Genome position (GRCh38, 1-based): chr19:38,504,262, C>T. VCF-style: chr19-38504262-C-T. GRCh37 (hg19) VCF-style: chr19-38994902-C-T.
Other names: c.7969C>T, p.Leu2657= (NM_001042723.2).
Identifiers: ClinVar variation 2885087 (VCV002885087.5), dbSNP rs1970337519, ClinGen allele CA082953.